The following is an entry in ClinVar:

ClinVar aggregate classification (germline): Likely pathogenic (1 of 4 stars; one submission).

Conditions:
Wolcott-Rallison dysplasia. Also called: MED-IDDM SYNDROME; Wolcott-Rallison syndrome. Identifiers: Orphanet 1667, MedGen C0432217, MONDO:0009192, OMIM 226980.

Submission:

Women's Health and Genetics/Laboratory Corporation of America, LabCorp
Classification: Likely pathogenic for Wolcott-Rallison dysplasia. Last evaluated: 2025-07-17. Review status: criteria provided, single submitter. Criteria: LabCorp Variant Classification Summary - May 2015. Collection method: clinical testing. Allele origin: germline.
Comment: Variant summary: EIF2AK3 c.3173T>C (p.Leu1058Pro) results in a non-conservative amino acid change in the encoded protein sequence. Algorithms developed to predict the effect of missense changes on protein structure and function are either unavailable or do not agree on the potential impact of this missense change. The variant was absent in 251180 control chromosomes (gnomAD). c.3173T>C has been observed in at least one compound heterozygous individual affected with Wolcott-Rallison dysplasia (Sene_2004). At least one publication reports experimental evidence evaluating an impact on protein function and this variant affects the EIF2AK3 protein function (Sene_2004). The following publications have been ascertained in the context of this evaluation (PMID: 15220213, 17213273, 19837917). No submitters have cited clinical-significance assessments for this variant to ClinVar. Based on the evidence outlined above, the variant was classified as likely pathogenic.

Literature cited by the submitters: PubMed 17213273; PubMed 19837917; PubMed 15220213.

NM_004836.7(EIF2AK3):c.3173T>C (p.Leu1058Pro)

Genes: EIF2AK3 (eukaryotic translation initiation factor 2 alpha kinase 3; minus strand), EIF2AK3-AS1 (EIF2AK3 antisense RNA 1; plus strand). Cytogenetic location: 2p11.2.
Variant type: single nucleotide variant.
Coding change: c.3173T>C on transcript NM_004836.7 (MANE Select); coding-DNA position 3173, T replaced by C.
Protein change: p.Leu1058Pro; replaces leucine 1058 with proline.
Molecular consequence: missense variant.
Genome position (GRCh38, 1-based): chr2:88,557,914, A>G on the plus strand (T>C on the coding strand, the complement: EIF2AK3 is on the minus strand). VCF-style: chr2-88557914-A-G. GRCh37 (hg19) VCF-style: chr2-88857432-A-G.
Other names: c.2720T>C, p.Leu907Pro (NM_001313915.2); short protein forms L907P, L1058P.
Identifiers: ClinVar variation 4525821 (VCV004525821.1).